The following is an entry in ClinVar:

NM_005585.5(SMAD6):c.700G>C (p.Asp234His)

Gene: SMAD6 (SMAD family member 6; plus strand). Cytogenetic location: 15q22.31.
Variant type: single nucleotide variant.
Coding change: c.700G>C on transcript NM_005585.5 (MANE Select); coding-DNA position 700, G replaced by C.
Protein change: p.Asp234His; replaces aspartic acid 234 with histidine.
Molecular consequence: missense variant. On other transcripts: non-coding transcript variant (1).
Genome position (GRCh38, 1-based): chr15:66,703,958, G>C. VCF-style: chr15-66703958-G-C. GRCh37 (hg19) VCF-style: chr15-66996296-G-C.
Other names: short protein forms D234H.
Identifiers: ClinVar variation 5029782 (VCV005029782.1).

ClinVar aggregate classification (germline): Uncertain significance (1 of 4 stars; one submission).

Conditions:
Inborn genetic diseases. Identifiers: MedGen C0950123, MeSH D030342.

Submission:

Ambry Genetics
Classification: Uncertain significance for Inborn genetic diseases. Last evaluated: 2026-09-04. Review status: criteria provided, single submitter. Criteria: Ambry Variant Classification Scheme 2023. Collection method: clinical testing. Allele origin: germline.
Comment: The p.D234H variant (also known as c.700G>C), located in coding exon 1 of the SMAD6 gene, results from a G to C substitution at nucleotide position 700. The aspartic acid at codon 234 is replaced by histidine, an amino acid with similar properties. This amino acid position is conserved. In addition, the in silico prediction for this alteration is inconclusive. Based on the available evidence, the clinical significance of this variant remains unclear.